The following is an entry in ClinVar:

NM_016219.5(MAN1B1):c.1896+7A>G

Gene: MAN1B1 (mannosidase alpha class 1B member 1; plus strand). Cytogenetic location: 9q34.3.
Variant type: single nucleotide variant.
Coding change: c.1896+7A>G on transcript NM_016219.5 (MANE Select); 7 bases into the intron after coding-DNA position 1896, A replaced by G.
Molecular consequence: intron variant.
Genome position (GRCh38, 1-based): chr9:137,107,669, A>G. VCF-style: chr9-137107669-A-G. GRCh37 (hg19) VCF-style: chr9-140002121-A-G.
Identifiers: ClinVar variation 776482 (VCV000776482.38), dbSNP rs143544706, ClinGen allele CA5359421.

ClinVar aggregate classification (germline): Benign. Review status: criteria provided, multiple submitters, no conflicts (2 of 4 stars). 3 submissions from 3 submitters: Benign (3). Last evaluated 2025-12-19.

Conditions:
Rafiq syndrome (RAFQS). Identifiers: Orphanet 88616, MedGen C3280127, MONDO:0013624, OMIM 614202.

Allele frequency attached by ClinVar (database versions not stated): gnomAD exomes 0.00031 and 0.00084; ExAC 0.00107; gnomAD 0.00306 and 0.00329; 1000 Genomes Project 0.00339; 1000 Genomes Project 30x 0.00359; TOPMed 0.00364; ESP Exome Variant Server 0.00423.
gnomAD v4.1: 932 of 1,609,596 alleles (0.058%); highest among the groups gnomAD compares: African/African-American, 1.1%; 4 homozygotes.

Submissions (3):

Labcorp Genetics (formerly Invitae), Labcorp
Classification: Benign for Rafiq syndrome. Last evaluated: 2025-12-19. Review status: criteria provided, single submitter. Criteria: Invitae Variant Classification Sherloc (09022015). Collection method: clinical testing. Allele origin: germline.

CeGaT Center for Human Genetics Tuebingen
Classification: Benign. Last evaluated: 2022-12-01. Review status: criteria provided, single submitter. Criteria: CeGaT Center For Human Genetics Tuebingen Variant Classification Criteria Version 2. Collection method: clinical testing. Allele origin: germline. Affected: yes. Observed: 1 variant allele.
Comment: MAN1B1: BP4, BS1, BS2

Illumina Laboratory Services, Illumina
Classification: Benign for Rafiq syndrome. Last evaluated: 2018-01-12. Review status: criteria provided, single submitter. Criteria: ICSL Variant Classification Criteria 13 December 2019. Collection method: clinical testing. Allele origin: germline.
Comment: This variant was observed in the ICSL laboratory as part of a predisposition screen in an ostensibly healthy population. It had not been previously curated by ICSL or reported in the Human Gene Mutation Database (HGMD: prior to June 1st, 2018), and was therefore a candidate for classification through an automated scoring system. Utilizing variant allele frequency, disease prevalence and penetrance estimates, and inheritance mode, an automated score was calculated to assess if this variant is too frequent to cause the disease. Based on the score and internal cut-off values, a variant classified as benign is not then subjected to further curation. The score for this variant resulted in a classification of benign for this disease.